The following is an entry in ClinVar:

NM_001366145.2(TRPM3):c.2310C>T (p.Thr770=)

Gene: TRPM3 (transient receptor potential cation channel subfamily M member 3; minus strand). Cytogenetic location: 9q21.12.
Variant type: single nucleotide variant.
Coding change: c.2310C>T on transcript NM_001366145.2 (MANE Select); coding-DNA position 2310, C replaced by T.
Protein change: p.Thr770=; no amino-acid change (threonine 770 retained).
Molecular consequence: synonymous variant.
Genome position (GRCh38, 1-based): chr9:70,618,915, G>A on the plus strand (C>T on the coding strand, the complement: TRPM3 is on the minus strand). VCF-style: chr9-70618915-G-A. GRCh37 (hg19) VCF-style: chr9-73233831-G-A.
Other names: c.1890C>T, p.Thr630= (NM_206946.5); c.1860C>T, p.Thr620= (NM_206947.5); c.2274C>T, p.Thr758= (NM_001007471.4, NM_001366151.2); c.2280C>T, p.Thr760= (NM_001366141.2, NM_001366143.2, NM_001366149.2); c.2316C>T, p.Thr772= (NM_001366142.2); c.2310C>T, p.Thr770= (NM_001366146.2); c.2385C>T, p.Thr795= (NM_001366147.2, NM_001366152.2); c.2355C>T, p.Thr785= (NM_001366148.2); and 5 more.
Identifiers: ClinVar variation 4903290 (VCV004903290.2).

ClinVar aggregate classification (germline): Likely benign. Review status: criteria provided, multiple submitters, no conflicts (2 of 4 stars). 2 submissions from 2 submitters: Likely benign (2). Last evaluated 2026-09-01.

gnomAD v4.1: 81 of 1,611,898 alleles (0.005%); highest among the groups gnomAD compares: Admixed American, 0.037%; no homozygotes.

Submissions (2):

CeGaT Center for Human Genetics Tuebingen
Classification: Likely benign. Last evaluated: 2026-09-01. Review status: criteria provided, single submitter. Criteria: CeGaT Center For Human Genetics Tuebingen Variant Classification Criteria Version 2. Collection method: clinical testing. Allele origin: germline. Affected: yes. Observed: 1 variant allele.
Comment: TRPM3: BP4, BP7

Blueprint Genetics
Classification: Likely benign. Last evaluated: 2024-10-02. Review status: criteria provided, single submitter. Criteria: ACMG Guidelines, 2015. Collection method: clinical testing. Allele origin: germline.